The following is an entry in ClinVar:

ClinVar aggregate classification (germline): Pathogenic. Review status: reviewed by expert panel (3 of 4 stars). 5 submissions from 5 submitters: Pathogenic (1). 4 of the submissions do not count toward it. Last evaluated 2026-06-19.

Conditions:
Familial cancer of breast. Also called: hereditary breast carcinoma; BREAST CANCER, FAMILIAL; Hereditary breast cancer. Identifiers: Orphanet 227535, MedGen C0346153, MONDO:0016419, OMIM 114480. Disease mechanism: loss of function.
ATM-related cancer predisposition. Also called: ATM-related cancer susceptibility. Identifiers: MedGen CN377759, MONDO:0700270.
Hereditary cancer-predisposing syndrome. Also called: Tumor predisposition; Hereditary neoplastic syndrome; Hereditary Cancer Syndrome; Neoplastic Syndromes, Hereditary. Identifiers: Orphanet 140162, MedGen C0027672, MeSH D009386, MONDO:0015356.
Ataxia-telangiectasia syndrome (AT). Also called: LOUIS-BAR SYNDROME; Cerebello-oculocutaneous telangiectasia; Immunodeficiency with ataxia telangiectasia; Ataxia-telangiectasia, complementation group E; Ataxia telangiectasia (A-T); Ataxia-telangiectasia, complementation group D. Identifiers: Orphanet 100, MedGen C0004135, MONDO:0008840, OMIM 208900.

Submissions (5):

ClinGen Hereditary Breast, Ovarian and Pancreatic Cancer Variant Curation Expert Panel, ClinGen
Classification: Pathogenic for ATM-related cancer predisposition. Last evaluated: 2026-06-19. Review status: reviewed by expert panel. Criteria: ClinGen HBOP ACMG Specifications ATM V1.5.0. Collection method: curation. Allele origin: germline. Inheritance: Autosomal dominant inheritance.
Comment: The c.5156del (p.Asn1719Ilefs*5) variant in ATM is a frameshift variant predicted to cause a premature stop codon in biologically-relevant-exon leading to nonsense mediated decay in a gene in which loss-of-function is an established disease mechanism. This alteration results in a termination codon upstream of the most C-terminus pathogenic alteration (ATM p.Arg3047*), as classified by the HBOP VCEP, and is expected to be more deleterious. This variant has been detected in individual(s) with Ataxia-Telangiectasia (PMID: 26896183, 30713859). The highest population minor allele frequency in gnomAD v4.1.1 is 0.000005085 in European (non-Finnish) population, which is lower than the ClinGen HBOP threshold (0.00001) for PM2_Supporting, meeting this criterion. In summary, this variant meets the criteria to be classified as pathogenic for autosomal dominant ATM-related cancer predisposition and autosomal recessive Ataxia-Telangiectasia based on the ACMG/AMP criteria applied, as specified by the HBOP VCEP. (PVS1, PM5_Supporting, PM3_Strong, PM2_Supporting)

Labcorp Genetics (formerly Invitae), Labcorp
Classification: Pathogenic for Ataxia-telangiectasia syndrome. Last evaluated: 2025-07-03. Review status: criteria provided, single submitter. Criteria: Invitae Variant Classification Sherloc (09022015). Collection method: clinical testing. Allele origin: germline. Not counted in ClinVar's aggregate classification.
Comment: This sequence change creates a premature translational stop signal (p.Asn1719Ilefs*5) in the ATM gene. It is expected to result in an absent or disrupted protein product. Loss-of-function variants in ATM are known to be pathogenic (PMID: 23807571, 25614872). This variant is not present in population databases (gnomAD no frequency). This premature translational stop signal has been observed in individual(s) with ATM-related conditions (PMID: 26896183). ClinVar contains an entry for this variant (Variation ID: 825489). For these reasons, this variant has been classified as Pathogenic.

Ambry Genetics
Classification: Pathogenic for Hereditary cancer-predisposing syndrome. Last evaluated: 2024-11-12. Review status: criteria provided, single submitter. Criteria: Ambry Variant Classification Scheme 2023. Collection method: clinical testing. Allele origin: germline. Not counted in ClinVar's aggregate classification.
Comment: The c.5156delA pathogenic mutation, located in coding exon 33 of the ATM gene, results from a deletion of one nucleotide at nucleotide position 5156, causing a translational frameshift with a predicted alternate stop codon (p.N1719Ifs*5). This alteration is expected to result in loss of function by premature protein truncation or nonsense-mediated mRNA decay. As such, this alteration is interpreted as a disease-causing mutation.

Myriad Genetics, Inc.
Classification: Pathogenic for Familial cancer of breast. Last evaluated: 2024-01-25. Review status: criteria provided, single submitter. Criteria: Myriad Autosomal Dominant, Autosomal Recessive and X-Linked Classification Criteria (2023). Collection method: clinical testing. Allele origin: unknown. Not counted in ClinVar's aggregate classification.
Comment: This variant is considered pathogenic. This variant creates a frameshift predicted to result in premature protein truncation.

Women's Health and Genetics/Laboratory Corporation of America, LabCorp
Classification: Pathogenic for Ataxia-telangiectasia syndrome. Last evaluated: 2019-12-27. Review status: criteria provided, single submitter. Criteria: LabCorp Variant Classification Summary - May 2015. Collection method: clinical testing. Allele origin: germline. Not counted in ClinVar's aggregate classification.
Comment: Variant summary: ATM c.5156delA (p.Asn1719IlefsX5) results in a premature termination codon, predicted to cause a truncation of the encoded protein or absence of the protein due to nonsense mediated decay, which are commonly known mechanisms for disease. Truncations downstream of this position have been classified as pathogenic by our laboratory (e.g. c.5290delC (p.Leu1764fsX12), c.5712dupA (p.Ser1905fsX25)). The variant was absent in 251046 control chromosomes (gnomAD). The variant, c.5156delA, has been reported in the literature in an individual affected with Ataxia-Telangiectasia, who was compound heterozygous for the variant and another truncating variant (Thompson_2014). Patient derived lymphocytes showed increased radiosensitivity and lack of the ATM protein and kinase activity (Thompson_2014). No clinical diagnostic laboratories have submitted clinical-significance assessments for this variant to ClinVar after 2014. Based on the evidence outlined above, the variant was classified as pathogenic.

Literature cited by the submitters: PubMed 23807571 (cited by Labcorp Genetics (formerly Invitae), Labcorp); PubMed 25614872 (cited by Labcorp Genetics (formerly Invitae), Labcorp); PubMed 26896183 (cited by Labcorp Genetics (formerly Invitae), Labcorp); PubMed 30713859 (cited by Women's Health and Genetics/Laboratory Corporation of America, LabCorp).

NM_000051.4(ATM):c.5156del (p.Asn1719fs)

Gene: ATM (ATM serine/threonine kinase; plus strand). Cytogenetic location: 11q22.3.
Variant type: Deletion.
Coding change: c.5156del on transcript NM_000051.4 (MANE Select); coding-DNA position 5156, one base deleted (A; older notation c.5156delA).
Protein change: p.Asn1719fs; shifts the reading frame from asparagine 1719.
Molecular consequence: frameshift variant.
Genome position (GRCh38, 1-based): chr11:108,299,864, A deleted; the last of 2 consecutive A bases (chr11:108,299,863-108,299,864); deleting either gives the same sequence. VCF-style (leftmost placement, unchanged base first): chr11-108299862-GA-G. GRCh37 (hg19) VCF-style: chr11-108170589-GA-G.
Other names: NM_000051.4(ATM):c.5156del; p.Asn1719fs; c.5156del, p.Asn1719fs (NM_001351834.2); c.5156del (NM_000051.3); short protein forms N1719fs.
Identifiers: ClinVar variation 825489 (VCV000825489.14), dbSNP rs1591702951, ClinGen allele CA915947623.